The following is an entry in ClinVar:

ClinVar aggregate classification (germline): Uncertain significance. Review status: criteria provided, multiple submitters, no conflicts (2 of 4 stars). 2 submissions from 2 submitters: Uncertain significance (2). Last evaluated 2026-04-20.

Allele frequency attached by ClinVar (database versions not stated): gnomAD exomes below 0.00001; gnomAD 0.00001; TOPMed 0.00001.

Submissions (2):

GeneDx
Classification: Uncertain significance. Last evaluated: 2026-04-20. Review status: criteria provided, single submitter. Criteria: GeneDx Variant Classification Process June 2021. Collection method: clinical testing. Allele origin: germline.
Comment: Not observed at significant frequency in large population cohorts (gnomAD); In silico analysis supports that this missense variant has a deleterious effect on protein structure/function; Has not been previously published as pathogenic or benign to our knowledge

Labcorp Genetics (formerly Invitae), Labcorp
Classification: Uncertain significance. Last evaluated: 2021-08-26. Review status: criteria provided, single submitter. Criteria: Invitae Variant Classification Sherloc (09022015). Collection method: clinical testing. Allele origin: germline.
Comment: This sequence change replaces serine with cysteine at codon 264 of the ASNS protein (p.Ser264Cys). The serine residue is highly conserved and there is a moderate physicochemical difference between serine and cysteine. This variant is not present in population databases (ExAC no frequency). This variant has not been reported in the literature in individuals affected with ASNS-related conditions. Advanced modeling of protein sequence and biophysical properties (such as structural, functional, and spatial information, amino acid conservation, physicochemical variation, residue mobility, and thermodynamic stability) performed at Invitae indicates that this missense variant is expected to disrupt ASNS protein function. In summary, the available evidence is currently insufficient to determine the role of this variant in disease. Therefore, it has been classified as a Variant of Uncertain Significance.

NM_001673.5(ASNS):c.790A>T (p.Ser264Cys)

Genes: ASNS (asparagine synthetase (glutamine-hydrolyzing); minus strand), CZ1P-ASNS (CZ1P-ASNS readthrough; minus strand). Cytogenetic location: 7q21.3.
Variant type: single nucleotide variant.
Coding change: c.790A>T on transcript NM_001673.5 (MANE Select); coding-DNA position 790, A replaced by T.
Protein change: p.Ser264Cys; replaces serine 264 with cysteine.
Molecular consequence: missense variant. On other transcripts: non-coding transcript variant (1).
Genome position (GRCh38, 1-based): chr7:97,858,391, T>A on the plus strand (A>T on the coding strand, the complement: ASNS is on the minus strand). VCF-style: chr7-97858391-T-A. GRCh37 (hg19) VCF-style: chr7-97487703-T-A.
Other names: c.727A>T, p.Ser243Cys (NM_001178075.2); c.541A>T, p.Ser181Cys (NM_001178076.2, NM_001178077.1); c.790A>T, p.Ser264Cys (NM_001352496.2, NM_133436.3, NM_183356.4); short protein forms S264C, S181C, S243C.
Identifiers: ClinVar variation 1484980 (VCV001484980.6), dbSNP rs1232553376, ClinGen allele CA368268054.